The following is an entry in ClinVar:

ClinVar aggregate classification (germline): Uncertain significance. Review status: criteria provided, multiple submitters, no conflicts (2 of 4 stars). 2 submissions from 2 submitters: Uncertain significance (2). Last evaluated 2025-09-10.

Allele frequency attached by ClinVar (database versions not stated): gnomAD exomes below 0.00001.
gnomAD v4.1: 4 of 1,614,024 alleles (0.00025%); highest among the groups gnomAD compares: Non-Finnish European, 0.00017%; no homozygotes.

Submissions (2):

Labcorp Genetics (formerly Invitae), Labcorp
Classification: Uncertain significance. Last evaluated: 2025-09-10. Review status: criteria provided, single submitter. Criteria: Invitae Variant Classification Sherloc (09022015). Collection method: clinical testing. Allele origin: germline.
Comment: This sequence change replaces threonine, which is neutral and polar, with serine, which is neutral and polar, at codon 130 of the GJB3 protein (p.Thr130Ser). This variant is not present in population databases (gnomAD no frequency). This variant has not been reported in the literature in individuals affected with GJB3-related conditions. ClinVar contains an entry for this variant (Variation ID: 1306531). Invitae Evidence Modeling of protein sequence and biophysical properties (such as structural, functional, and spatial information, amino acid conservation, physicochemical variation, residue mobility, and thermodynamic stability) has been performed for this missense variant. However, the output from this modeling did not meet the statistical confidence thresholds required to predict the impact of this variant on GJB3 protein function. In summary, the available evidence is currently insufficient to determine the role of this variant in disease. Therefore, it has been classified as a Variant of Uncertain Significance.

GeneDx
Classification: Uncertain significance. Last evaluated: 2025-06-24. Review status: criteria provided, single submitter. Criteria: GeneDx Variant Classification Process June 2021. Collection method: clinical testing. Allele origin: germline. Affected: yes.
Comment: Not observed at significant frequency in large population cohorts (gnomAD); In silico analysis supports that this missense variant has a deleterious effect on protein structure/function; Has not been previously published as pathogenic or benign to our knowledge

NM_024009.3(GJB3):c.388A>T (p.Thr130Ser)

Gene: GJB3 (gap junction protein beta 3; plus strand). Cytogenetic location: 1p34.3.
Variant type: single nucleotide variant.
Coding change: c.388A>T on transcript NM_024009.3 (MANE Select); coding-DNA position 388, A replaced by T.
Protein change: p.Thr130Ser; replaces threonine 130 with serine.
Molecular consequence: missense variant.
Genome position (GRCh38, 1-based): chr1:34,785,150, A>T. VCF-style: chr1-34785150-A-T. GRCh37 (hg19) VCF-style: chr1-35250751-A-T.
Other names: c.388A>T, p.Thr130Ser (NM_001005752.2); short protein forms T130S.
Identifiers: ClinVar variation 1306531 (VCV001306531.6), dbSNP rs1571580453, ClinGen allele CA339313723.